The following is an entry in ClinVar:

ClinVar aggregate classification (germline): Uncertain significance (1 of 4 stars; one submission).

Allele frequency attached by ClinVar (database versions not stated): gnomAD 0.00001.
gnomAD v4.1: 1 of 1,614,038 alleles (0.000062%); highest among the groups gnomAD compares: African/African-American, 0.0013%; no homozygotes.

Submission:

Labcorp Genetics (formerly Invitae), Labcorp
Classification: Uncertain significance. Last evaluated: 2022-07-29. Review status: criteria provided, single submitter. Criteria: Invitae Variant Classification Sherloc (09022015). Collection method: clinical testing. Allele origin: germline.
Comment: This variant is not present in population databases (gnomAD no frequency). In summary, the available evidence is currently insufficient to determine the role of this variant in disease. Therefore, it has been classified as a Variant of Uncertain Significance. Advanced modeling of protein sequence and biophysical properties (such as structural, functional, and spatial information, amino acid conservation, physicochemical variation, residue mobility, and thermodynamic stability) performed at Invitae indicates that this missense variant is not expected to disrupt CFI protein function. This variant has not been reported in the literature in individuals affected with CFI-related conditions. This sequence change replaces serine, which is neutral and polar, with threonine, which is neutral and polar, at codon 143 of the CFI protein (p.Ser143Thr).

NM_000204.5(CFI):c.428G>C (p.Ser143Thr)

Gene: CFI (complement factor I; minus strand). Cytogenetic location: 4q25.
Variant type: single nucleotide variant.
Coding change: c.428G>C on transcript NM_000204.5 (MANE Select); coding-DNA position 428, G replaced by C.
Protein change: p.Ser143Thr; replaces serine 143 with threonine.
Molecular consequence: missense variant. On other transcripts: non-coding transcript variant (3), intron variant (1).
Genome position (GRCh38, 1-based): chr4:109,764,591, C>G on the plus strand (G>C on the coding strand, the complement: CFI is on the minus strand). VCF-style: chr4-109764591-C-G. GRCh37 (hg19) VCF-style: chr4-110685747-C-G.
Other names: c.428G>C, p.Ser143Thr (NM_001318057.2, NM_001331035.2, NM_001375278.1 and 5 more transcripts); c.-127-2899G>C (NM_001375284.1); short protein forms S143T.
Identifiers: ClinVar variation 1714100 (VCV001714100.5), dbSNP rs1727494893, ClinGen allele CA357863894.